The following is an entry in ClinVar:

NM_007294.4(BRCA1):c.5569del (p.Gln1857fs)

Gene: BRCA1 (BRCA1 DNA repair associated; minus strand). Cytogenetic location: 17q21.31.
Variant type: Deletion.
Coding change: c.5569del on transcript NM_007294.4 (MANE Select); coding-DNA position 5569, one base deleted (C; older notation c.5569delC).
Protein change: p.Gln1857fs; shifts the reading frame from glutamine 1857.
Molecular consequence: frameshift variant. On other transcripts: 3 prime UTR variant (1), non-coding transcript variant (1).
Genome position (GRCh38, 1-based): chr17:43,045,701, G deleted on the plus strand (C on the coding strand, the reverse complement: BRCA1 is on the minus strand); the first of 4 consecutive G bases (chr17:43,045,701-43,045,704); deleting any one gives the same sequence. VCF-style (leftmost placement, unchanged base first): chr17-43045700-TG-T. GRCh37 (hg19) VCF-style: chr17-41197717-TG-T.
Other names: c.2116delC, p.Gln707Argfs (NM_001408452.1, NM_001408453.1, NM_001408454.1 and 3 more transcripts); c.5506delC, p.Gln1837Argfs (NM_001407649.1); c.5488delC, p.Gln1831Argfs (NM_001407652.1, NM_001407653.1, NM_001407654.1 and 1 more transcripts); c.5485delC, p.Gln1830Argfs (NM_001407656.1, NM_001407657.1, NM_001407658.1); c.2113delC, p.Gln706Argfs (NM_001408462.1, NM_001408461.1, NM_001408458.1 and 7 more transcripts); c.5359delC, p.Gln1788Argfs (NM_001407874.1, NM_001407875.1); c.5365delC, p.Gln1790Argfs (NM_001407862.1); c.5419delC, p.Gln1808Argfs (NM_001407853.1, NM_001407846.1, NM_001407847.1 and 12 more transcripts); and 78 more; short protein forms Q1857fs, Q1810fs, Q1878fs, Q753fs.
Identifiers: ClinVar variation 265622 (VCV000265622.18), dbSNP rs886039675, ClinGen allele CA10588652.

ClinVar aggregate classification (germline): Likely pathogenic. Review status: criteria provided, multiple submitters, no conflicts (2 of 4 stars). 4 submissions from 4 submitters: Likely pathogenic (4). Last evaluated 2025-07-25.

Conditions:
Hereditary cancer-predisposing syndrome. Also called: Neoplastic Syndromes, Hereditary; Hereditary neoplastic syndrome; Hereditary Cancer Syndrome; Tumor predisposition. Identifiers: Orphanet 140162, MedGen C0027672, MeSH D009386, MONDO:0015356.
Hereditary breast ovarian cancer syndrome. Also called: Hereditary breast and ovarian cancer syndrome (HBOC); Hereditary breast and ovarian cancer syndrome; Hereditary breast and ovarian cancer; Breast and ovarian cancer; BRCA1- and BRCA2-Associated Hereditary Breast and Ovarian Cancer; Hereditary breast and/or ovarian cancer syndrome. Identifiers: Orphanet 145, MedGen C0677776, MeSH D061325, MONDO:0003582. Disease mechanism: loss of function.

Submissions (4):

Ambry Genetics
Classification: Likely pathogenic for Hereditary cancer-predisposing syndrome. Last evaluated: 2025-07-25. Review status: criteria provided, single submitter. Criteria: Ambry Variant Classification Scheme 2023. Collection method: clinical testing. Allele origin: germline.
Comment: The c.5569delC variant, located in coding exon 22 of the BRCA1 gene, results from a deletion of one nucleotide at nucleotide position 5569, causing a translational frameshift, with a predicted alternate stop codon (p.Q1857Rfs*65). This alteration occurs at the 3' terminus of theBRCA1 gene, is not expected to trigger nonsense-mediated mRNAdecay and results in the elongation of the protein by 57 amino acids. This frameshift impacts the last 7 amino acids of the native protein. However, frameshifts are typically deleterious in nature and the impacted region is critical for protein function (Ambry internal data). This variant was reported as deleterious in an assay of transcriptional activation (Nepomuceno TC et al. HGG Adv. 2023 Sep;4(4):100240). This variant is considered to be rare based on population cohorts in the Genome Aggregation Database (gnomAD). Based on the majority of available evidence to date, this variant is likely to be pathogenic.

Labcorp Genetics (formerly Invitae), Labcorp
Classification: Likely pathogenic for Hereditary breast ovarian cancer syndrome. Last evaluated: 2022-05-10. Review status: criteria provided, single submitter. Criteria: Invitae Variant Classification Sherloc (09022015). Collection method: clinical testing. Allele origin: germline.
Comment: In summary, the currently available evidence indicates that the variant is pathogenic, but additional data are needed to prove that conclusively. Therefore, this variant has been classified as Likely Pathogenic. This variant disrupts the C-terminal end of the BRCA1 protein partially including the BRCT domain (residues 1646-1859), which is important for DNA repair activity (PMID: 11573086, 14576433, 15133503, 25652403). While functional studies have not been performed to directly test the effect on BRCA1 protein function, this suggests that disruption of the C-terminal portion of the protein is functionally important. ClinVar contains an entry for this variant (Variation ID: 265622). This frameshift has been observed in individual(s) with BRCA1-related disease (PMID: 21520333; Invitae). This variant is not present in population databases (gnomAD no frequency). This sequence change results in a frameshift in the BRCA1 gene (p.Gln1857Argfs*65). While this is not anticipated to result in nonsense mediated decay, it is expected to disrupt the last 7 amino acid(s) of the BRCA1 protein and extend the protein by 57 additional amino acid residues.

GeneDx
Classification: Likely pathogenic. Last evaluated: 2017-12-26. Review status: criteria provided, single submitter. Criteria: GeneDx Variant Classification (06012015). Collection method: clinical testing. Allele origin: germline. Affected: yes.
Comment: This deletion of one nucleotide in BRCA1 is denoted c.5569delC at the cDNA level and p.Gln1857ArgfsX65 (Q1857RfsX65) at the protein level. The normal sequence, with the base that is deleted in brackets, is ACCC[delC]AGAT. Using alternate nomenclature, this variant would be defined as BRCA1 5688delC, and has not, to our knowledge, been reported in the literature. The deletion causes a frameshift which changes a Glutamine to an Arginine at codon 1857 in the last exon of the gene, and results in an extension of the protein. The last seven amino acids are replaced with 64 incorrect amino acids, disrupting a region known to interact with multiple proteins (Paul 2014). Based on currently available evidence, we consider this deletion to be a likely pathogenic variant.

Women's Health and Genetics/Laboratory Corporation of America, LabCorp
Classification: Likely pathogenic for Hereditary breast ovarian cancer syndrome. Last evaluated: 2017-05-15. Review status: criteria provided, single submitter. Criteria: LabCorp Variant Classification Summary - May 2015. Collection method: clinical testing. Allele origin: germline.
Comment: Variant summary: The BRCA1 c.5569delC (p.Gln1857Argfs) variant results in a frame-shift change, predicted to cause a replacement of the last 7 amino acids with 64 incorrect amino acids. Non-sense mediated mRNA decay may not happen since this variant is close the C-terminus. This alteration affects the c-terminus, including part of the BCRT domain, which is important for DNA repair activity. One in silico tool predicts a benign outcome for this variant. This variant is absent in 121000 control chromosomes. In addition, multiple clinical diagnostic laboratories/reputable databases classified this variant as likely pathogenic. The variant of interest has not, to our knowledge, been reported in affected individuals via publications and/or reputable databases/clinical diagnostic laboratories; nor evaluated for functional impact by in vivo/vitro studies. Taken together, this variant is classified as likely pathogenic.

Literature cited by the submitters: PubMed 37718511 (cited by Ambry Genetics); PubMed 11573086 (cited by Labcorp Genetics (formerly Invitae), Labcorp); PubMed 14576433 (cited by Labcorp Genetics (formerly Invitae), Labcorp); PubMed 15133503 (cited by Labcorp Genetics (formerly Invitae), Labcorp); PubMed 25652403 (cited by Labcorp Genetics (formerly Invitae), Labcorp); PubMed 21520333 (cited by Labcorp Genetics (formerly Invitae), Labcorp).